The following is an entry in ClinVar:

ClinVar aggregate classification (germline): Uncertain significance. Review status: criteria provided, multiple submitters, no conflicts (2 of 4 stars). 2 submissions from 2 submitters: Uncertain significance (2). Last evaluated 2025-10-02.

Allele frequency attached by ClinVar (database versions not stated): ExAC 0.00003; TOPMed 0.00001; gnomAD 0.00001.

Submissions (2):

Labcorp Genetics (formerly Invitae), Labcorp
Classification: Uncertain significance. Last evaluated: 2025-10-02. Review status: criteria provided, single submitter. Criteria: Invitae Variant Classification Sherloc (09022015). Collection method: clinical testing. Allele origin: germline.
Comment: This sequence change replaces arginine, which is basic and polar, with tryptophan, which is neutral and slightly polar, at codon 218 of the AEBP1 protein (p.Arg218Trp). This variant is present in population databases (rs768864068, gnomAD 0.003%). This variant has not been reported in the literature in individuals affected with AEBP1-related conditions. ClinVar contains an entry for this variant (Variation ID: 1810041). An algorithm developed to predict the effect of missense changes on protein structure and function (PolyPhen-2) suggests that this variant is likely to be tolerated. In summary, the available evidence is currently insufficient to determine the role of this variant in disease. Therefore, it has been classified as a Variant of Uncertain Significance.

GeneDx
Classification: Uncertain significance. Last evaluated: 2022-06-30. Review status: criteria provided, single submitter. Criteria: GeneDx Variant Classification Process June 2021. Collection method: clinical testing. Allele origin: germline. Affected: yes.
Comment: Not observed at significant frequency in large population cohorts (gnomAD); In silico analysis supports that this missense variant has a deleterious effect on protein structure/function; Has not been previously published as pathogenic or benign to our knowledge

NM_001129.5(AEBP1):c.652C>T (p.Arg218Trp)

Gene: AEBP1 (AE binding protein 1; plus strand). Cytogenetic location: 7p13.
Variant type: single nucleotide variant.
Coding change: c.652C>T on transcript NM_001129.5 (MANE Select); coding-DNA position 652, C replaced by T.
Protein change: p.Arg218Trp; replaces arginine 218 with tryptophan.
Molecular consequence: missense variant.
Genome position (GRCh38, 1-based): chr7:44,107,495, C>T. VCF-style: chr7-44107495-C-T. GRCh37 (hg19) VCF-style: chr7-44147094-C-T.
Other names: short protein forms R218W.
Identifiers: ClinVar variation 1810041 (VCV001810041.3), dbSNP rs768864068, ClinGen allele CA4237544.